The following is an entry in ClinVar:

NM_002202.3(ISL1):c.1018A>T (p.Asn340Tyr)

Gene: ISL1 (ISL LIM homeobox 1; plus strand). Cytogenetic location: 5q11.1.
Variant type: single nucleotide variant.
Coding change: c.1018A>T on transcript NM_002202.3 (MANE Select); coding-DNA position 1018, A replaced by T.
Protein change: p.Asn340Tyr; replaces asparagine 340 with tyrosine.
Molecular consequence: missense variant.
Genome position (GRCh38, 1-based): chr5:51,393,578, A>T. VCF-style: chr5-51393578-A-T. GRCh37 (hg19) VCF-style: chr5-50689412-A-T.
Other names: short protein forms N340Y.
Identifiers: ClinVar variation 4995181 (VCV004995181.1).

ClinVar aggregate classification (germline): Uncertain significance (1 of 4 stars; one submission).

Conditions:
ISL1-related disorder. Also called: ISL1-related condition.

Submission:

PreventionGenetics, part of Exact Sciences
Classification: Uncertain significance for ISL1-related condition. Last evaluated: 2025-10-23. Review status: criteria provided, single submitter. Criteria: ACMG Guidelines, 2015. Collection method: clinical testing. Allele origin: germline.
Comment: The ISL1 c.1018A>T variant is predicted to result in the amino acid substitution p.Asn340Tyr. To our knowledge, this variant has not been reported in the literature or in a large population database (gnomAD), indicating this variant is rare. At this time, the clinical significance of this variant is uncertain due to the absence of conclusive functional and genetic evidence.